The following is an entry in ClinVar:

NM_000152.5(GAA):c.1654del (p.Leu552fs)

Gene: GAA (alpha glucosidase; plus strand). Cytogenetic location: 17q25.3.
Variant type: Deletion.
Coding change: c.1654del on transcript NM_000152.5 (MANE Select); coding-DNA position 1654, one base deleted (C; older notation c.1654delC).
Protein change: p.Leu552fs; shifts the reading frame from leucine 552.
Molecular consequence: frameshift variant.
Genome position (GRCh38, 1-based): chr17:80,112,000, C deleted; the last of 3 consecutive C bases (chr17:80,111,998-80,112,000); deleting any one gives the same sequence. VCF-style (leftmost placement, unchanged base first): chr17-80111997-AC-A. GRCh37 (hg19) VCF-style: chr17-78085796-AC-A.
Other names: c.1654del, p.Leu552fs (NM_001079803.3, NM_001079804.3); short protein forms L552fs.
Identifiers: ClinVar variation 932899 (VCV000932899.9), dbSNP rs2039246615, ClinGen allele CA658795262.

ClinVar aggregate classification (germline): Pathogenic. Review status: reviewed by expert panel (3 of 4 stars). 3 submissions from 3 submitters: Pathogenic (1). 2 of the submissions do not count toward it. Last evaluated 2020-04-20.

Conditions:
Glycogen storage disease, type II (IOPD). Also called: Glycogen storage disease type 2; Acid maltase deficiency disease; Aglucosidase alfa; Deficiency of alpha-glucosidase; Deficiency of lysosomal alpha-glucosidase; Glucosidase acid-1,4-alpha deficiency. Identifiers: Orphanet 365, MedGen C0017921, MONDO:0009290, OMIM 232300.

Submissions (3):

ClinGen Lysosomal Storage Disorder Variant Curation Expert Panel
Classification: Pathogenic for Glycogen storage disease, type II. Last evaluated: 2020-04-20. Review status: reviewed by expert panel. Criteria: ClinGen LSD ACMG Specifications v1. Collection method: curation. Allele origin: germline. Inheritance: Autosomal recessive inheritance.
Comment: This variant, c.1654del (p.Leu552SerfsTer26), is a frameshift variant which is predicted to result in a premature termination codon and nonsense mediated decay resulting in lack of gene product. This is supported by absence of cross-reactive immunological material on Western blot of protein from cultured skin fibroblasts from an individual with this variant (PMID 22252923). Therefore, PVS1 can be applied. The variant is absent in gnomAD v2.1.1, meeting PM2. One patient with infantile-onset Pompe disease and residual GAA activity meeting PP4 specifications has been reported. This patient is compound heterozygous for the variant and c.2560C>T (p.Arg854Ter) (PMIDs 25741864, 27493997, 29122469), meeting PM3_Supporting. There is no ClinVar entry for this variant. In summary, this variant meets the criteria to be classified as pathogenic for Pompe disease. ACMG/AMP criteria met, as specified by the ClinGen LSD VCEP: PVS1, PM2, PM3_Supporting, PP4.

Genomenon, Inc
Classification: Pathogenic for Glycogen storage disease, type II. Last evaluated: 2026-07-01. Review status: criteria provided, single submitter. Criteria: Genomenon Sequence Variant Interpretation Standards - Updated. Collection method: curation. Allele origin: germline. Affected: yes. Not counted in ClinVar's aggregate classification.
Comment: GAA p.Leu552SerfsTer26 (c.1654del) is a frameshift variant that is predicted to introduce a premature termination codon and result in a truncated or absent protein product. This variant has been observed in at least one proband with a GAA-related disorder (PMID:25741864). It is absent or not present at a significant frequency in gnomAD. In conclusion, we classify GAA p.Leu552SerfsTer26 (c.1654del) as a pathogenic variant.

Labcorp Genetics (formerly Invitae), Labcorp
Classification: Pathogenic for Glycogen storage disease, type II. Last evaluated: 2022-06-26. Review status: criteria provided, single submitter. Criteria: Invitae Variant Classification Sherloc (09022015). Collection method: clinical testing. Allele origin: germline. Not counted in ClinVar's aggregate classification.
Comment: For these reasons, this variant has been classified as Pathogenic. ClinVar contains an entry for this variant (Variation ID: 932899). This premature translational stop signal has been observed in individual(s) with Pompe disease (PMID: 22252923, 31086307). This variant is not present in population databases (gnomAD no frequency). This sequence change creates a premature translational stop signal (p.Leu552Serfs*26) in the GAA gene. It is expected to result in an absent or disrupted protein product. Loss-of-function variants in GAA are known to be pathogenic (PMID: 18425781, 22252923).

Literature cited by the submitters: PubMed 25741864 (cited by Genomenon, Inc); PubMed 22252923 (cited by Labcorp Genetics (formerly Invitae), Labcorp); PubMed 31086307 (cited by Labcorp Genetics (formerly Invitae), Labcorp); PubMed 18425781 (cited by Labcorp Genetics (formerly Invitae), Labcorp).